The following is an entry in ClinVar:

ClinVar aggregate classification (germline): Uncertain significance. Review status: criteria provided, multiple submitters, no conflicts (2 of 4 stars). 2 submissions from 2 submitters: Uncertain significance (2). Last evaluated 2023-01-05.

Allele frequency attached by ClinVar (database versions not stated): gnomAD exomes below 0.00001 and 0.00001.
gnomAD v4.1: 1 of 1,614,002 alleles (0.000062%); highest among the groups gnomAD compares: Non-Finnish European, 0.000085%; no homozygotes.

Submissions (2):

GeneDx
Classification: Uncertain significance. Last evaluated: 2023-01-05. Review status: criteria provided, single submitter. Criteria: GeneDx Variant Classification Process June 2021. Collection method: clinical testing. Allele origin: germline. Affected: yes.
Comment: Not observed at significant frequency in large population cohorts (gnomAD); In silico analysis supports that this missense variant does not alter protein structure/function; Has not been previously published as pathogenic or benign to our knowledge

Labcorp Genetics (formerly Invitae), Labcorp
Classification: Uncertain significance. Last evaluated: 2021-11-18. Review status: criteria provided, single submitter. Criteria: Invitae Variant Classification Sherloc (09022015). Collection method: clinical testing. Allele origin: germline.
Comment: This sequence change replaces threonine, which is neutral and polar, with alanine, which is neutral and non-polar, at codon 3263 of the LRP2 protein (p.Thr3263Ala). This variant is present in population databases (no rsID available, gnomAD 0.0009%). This variant has not been reported in the literature in individuals affected with LRP2-related conditions. Advanced modeling of protein sequence and biophysical properties (such as structural, functional, and spatial information, amino acid conservation, physicochemical variation, residue mobility, and thermodynamic stability) performed at Invitae indicates that this missense variant is not expected to disrupt LRP2 protein function. In summary, the available evidence is currently insufficient to determine the role of this variant in disease. Therefore, it has been classified as a Variant of Uncertain Significance.

NM_004525.3(LRP2):c.9787A>G (p.Thr3263Ala)

Gene: LRP2 (LDL receptor related protein 2; minus strand). Cytogenetic location: 2q31.1.
Variant type: single nucleotide variant.
Coding change: c.9787A>G on transcript NM_004525.3 (MANE Select); coding-DNA position 9787, A replaced by G.
Protein change: p.Thr3263Ala; replaces threonine 3263 with alanine.
Molecular consequence: missense variant.
Genome position (GRCh38, 1-based): chr2:169,185,561, T>C on the plus strand (A>G on the coding strand, the complement: LRP2 is on the minus strand). VCF-style: chr2-169185561-T-C. GRCh37 (hg19) VCF-style: chr2-170042071-T-C.
Other names: c.9787A>G (NM_004525.2); short protein forms T3263A.
Identifiers: ClinVar variation 1397882 (VCV001397882.3), dbSNP rs1401520582, ClinGen allele CA349153035.
Genomic context (GRCh38, chr2:169,185,561, plus strand): 5'-ACCTGGAAACCCAGTCTACAGCCAGACTTTCTGCAGCTGGTAGTCTGTGGTTTATGATTG[T>C]CTCCTTGTTTGTCTTATTCAGAAACATTCTCTCAATGACTTGCCTCTGTGTATCAATCCA-3'
Protein context (NP_004516.2, residues 3253-3273): RMFLNKTNKE[Thr3263Ala]IINHRLPAAE